The following is an entry in ClinVar:

ClinVar aggregate classification (germline): Uncertain significance. Review status: criteria provided, multiple submitters, no conflicts (2 of 4 stars). 2 submissions from 2 submitters: Uncertain significance (2). Last evaluated 2024-01-17.

Allele frequency attached by ClinVar (database versions not stated): gnomAD exomes below 0.00001; TOPMed below 0.00001.
gnomAD v4.1: 2 of 1,603,966 alleles (0.00012%); highest among the groups gnomAD compares: East Asian, 0.0045%; no homozygotes.

Submissions (2):

GeneDx
Classification: Uncertain significance. Last evaluated: 2024-01-17. Review status: criteria provided, single submitter. Criteria: GeneDx Variant Classification Process June 2021. Collection method: clinical testing. Allele origin: germline. Affected: yes.
Comment: Identified in a family with hemiplegic migraine, but additional clinical information was not available (Liu et al., 2016); In silico analysis supports that this missense variant has a deleterious effect on protein structure/function; This variant is associated with the following publications: (PMID: Liu_2016_Abstract)

Revvity Omics, Revvity
Classification: Uncertain significance. Last evaluated: 2019-03-11. Review status: criteria provided, single submitter. Criteria: ACMG Guidelines, 2015. Collection method: clinical testing. Allele origin: germline.

NM_001127222.2(CACNA1A):c.1168A>G (p.Asn390Asp)

Gene: CACNA1A (calcium voltage-gated channel subunit alpha1 A; minus strand). Cytogenetic location: 19p13.13.
Variant type: single nucleotide variant.
Coding change: c.1168A>G on transcript NM_001127222.2 (MANE Select); coding-DNA position 1168, A replaced by G.
Protein change: p.Asn390Asp; replaces asparagine 390 with aspartic acid.
Molecular consequence: missense variant.
Genome position (GRCh38, 1-based): chr19:13,334,408, T>C on the plus strand (A>G on the coding strand, the complement: CACNA1A is on the minus strand). VCF-style: chr19-13334408-T-C. GRCh37 (hg19) VCF-style: chr19-13445222-T-C.
Other names: c.1168A>G, p.Asn390Asp (NM_000068.4, NM_001127221.2, NM_001174080.2 and 1 more transcripts); short protein forms N390D.
Identifiers: ClinVar variation 2439627 (VCV002439627.4), dbSNP rs1325031769, ClinGen allele CA404346460.
Genomic context (GRCh38, chr19:13,334,408, plus strand): 5'-TCCCTGGGCCCCAGGATGAAAGGGCCTCACCTGCTTTTGAGATCCACTCCATGTACCCAT[T>C]GAGCTCACGTTCAATCTGTTGTTGCCGCCTCAGCTTCAGAAAAGCCCGCCGGTTCTCCAC-3'
Protein context (NP_001120694.1, residues 380-400): RRQQQIEREL[Asn390Asp]GYMEWISKAE